The following is an entry in ClinVar:

ClinVar aggregate classification (germline): Uncertain significance. Review status: criteria provided, multiple submitters, no conflicts (2 of 4 stars). 2 submissions from 2 submitters: Uncertain significance (2). Last evaluated 2024-12-21.

Conditions:
Primary dilated cardiomyopathy (DCM). Also called: Dilated Cardiomyopathy. Identifiers: Orphanet 217604, MedGen C0007193, MeSH D002311, MONDO:0005021, HP:0001644. Inheritance: Various modes of inheritance.

gnomAD v4.1: 1 of 1,612,786 alleles (0.000062%); highest among the groups gnomAD compares: Non-Finnish European, 0.000085%; no homozygotes.

Submissions (2):

Ambry Genetics
Classification: Uncertain significance. Last evaluated: 2024-12-21. Review status: criteria provided, single submitter. Criteria: Ambry Variant Classification Scheme 2023. Collection method: clinical testing. Allele origin: germline.
Comment: The p.D467E variant (also known as c.1401C>G), located in coding exon 14 of the NEBL gene, results from a C to G substitution at nucleotide position 1401. The aspartic acid at codon 467 is replaced by glutamic acid, an amino acid with highly similar properties. This amino acid position is conserved. In addition, this alteration is predicted to be tolerated by in silico analysis. Based on the available evidence, the clinical significance of this variant remains unclear.

Labcorp Genetics (formerly Invitae), Labcorp
Classification: Uncertain significance for Primary dilated cardiomyopathy. Last evaluated: 2023-03-16. Review status: criteria provided, single submitter. Criteria: Invitae Variant Classification Sherloc (09022015). Collection method: clinical testing. Allele origin: germline.
Comment: In summary, the available evidence is currently insufficient to determine the role of this variant in disease. Therefore, it has been classified as a Variant of Uncertain Significance. An algorithm developed to predict the effect of missense changes on protein structure and function (PolyPhen-2) suggests that this variant is likely to be tolerated. ClinVar contains an entry for this variant (Variation ID: 583115). This variant has not been reported in the literature in individuals affected with NEBL-related conditions. This variant is not present in population databases (gnomAD no frequency). This sequence change replaces aspartic acid, which is acidic and polar, with glutamic acid, which is acidic and polar, at codon 467 of the NEBL protein (p.Asp467Glu).

NM_006393.3(NEBL):c.1401C>G (p.Asp467Glu)

Gene: NEBL (nebulette; minus strand). Cytogenetic location: 10p12.31.
Variant type: single nucleotide variant.
Coding change: c.1401C>G on transcript NM_006393.3 (MANE Select); coding-DNA position 1401, C replaced by G.
Protein change: p.Asp467Glu; replaces aspartic acid 467 with glutamic acid.
Molecular consequence: missense variant. On other transcripts: intron variant (9).
Genome position (GRCh38, 1-based): chr10:20,835,561, G>C on the plus strand (C>G on the coding strand, the complement: NEBL is on the minus strand). VCF-style: chr10-20835561-G-C. GRCh37 (hg19) VCF-style: chr10-21124490-G-C.
Other names: c.250-22621C>G (NM_001377326.1, NM_001377327.1, NM_001377328.1); c.358-22621C>G (NM_213569.2, NM_001173484.2, NM_001377322.1); c.301-22621C>G (NM_001377324.1); c.292-22621C>G (NM_001377325.1); c.310-22621C>G (NM_001377323.1); short protein forms D467E.
Identifiers: ClinVar variation 583115 (VCV000583115.10), dbSNP rs769479569, ClinGen allele CA376098271.